The following is an entry in ClinVar:

ClinVar aggregate classification (germline): Likely pathogenic (1 of 4 stars; one submission).

Submission:

Dasa
Classification: Likely pathogenic. Last evaluated: 2025-04-22. Review status: criteria provided, single submitter. Criteria: DASA Assertion Criteria. Collection method: clinical testing. Allele origin: germline.
Comment: NM_001734.5(C1S):c.461_464del (p.Tyr154Serfs*14) is a frameshift variant in C1S predicted to alter the reading frame and introduce a premature termination codon and is predicted to result in an absent or altered protein product. Loss of function is an established disease mechanism for C1S-associated disorders. Also, this variant is absent from population databases. Based on the currently available evidence, this variant is classified as likely pathogenic.

NM_001734.5(C1S):c.461_464del (p.Tyr154fs)

Gene: C1S (complement C1s; plus strand). Cytogenetic location: 12p13.31.
Variant type: Deletion.
Coding change: c.461_464del on transcript NM_001734.5 (MANE Select); coding-DNA positions 461 to 464, 4 bases deleted (ACTT; older notation c.461_464delACTT).
Protein change: p.Tyr154fs; shifts the reading frame from tyrosine 154.
Molecular consequence: frameshift variant. On other transcripts: 5 prime UTR variant (1).
Genome position (GRCh38, 1-based): chr12:7,064,336-7,064,339, ACTT deleted; deleting any 4 consecutive bases within chr12:7,064,334-7,064,339 gives the same sequence; the c. name uses the placement nearest the transcript's 3' end. VCF-style (leftmost placement, unchanged base first): chr12-7064333-GTTAC-G. GRCh37 (hg19) VCF-style: chr12-7171637-GTTAC-G.
Other names: c.-41_-38del (NM_001346850.2); c.461_464del, p.Tyr154fs (NM_201442.4); short protein forms Y154fs.
Identifiers: ClinVar variation 4880745 (VCV004880745.2).
Genomic context (GRCh38, chr12:7,064,333, plus strand): 5'-ATGAATGCACAGATTTTGTAGATGTCCCTTGTAGCCACTTCTGCAACAATTTCATTGGTG[GTTAC>G]TTCTGCTCCTGCCCCCCGGAATATTTCCTCCATGATGACATGAAGAATTGCGGAGGTGAG-3'